The following is an entry in ClinVar:

ClinVar aggregate classification (germline): Pathogenic (1 of 4 stars; one submission).

Submission:

Labcorp Genetics (formerly Invitae), Labcorp
Classification: Pathogenic. Last evaluated: 2022-06-23. Review status: criteria provided, single submitter. Criteria: Invitae Variant Classification Sherloc (09022015). Collection method: clinical testing. Allele origin: germline.
Comment: For these reasons, this variant has been classified as Pathogenic. This variant has not been reported in the literature in individuals affected with ABCC8-related conditions. This variant is a gross deletion of the genomic region encompassing exon(s) 11-16 of the ABCC8 gene. This deletion is out-of-frame, and is expected to create a premature termination codon and result in an absent or disrupted protein product. Loss-of-function variants in ABCC8 are known to be pathogenic (PMID: 20685672, 23345197).

Literature cited by the submitters: PubMed 20685672; PubMed 23345197.

NC_000011.9:g.(?_17448586)_(17453801_?)del

Gene: ABCC8 (ATP binding cassette subfamily C member 8; minus strand). Cytogenetic location: 11p15.1.
Variant type: Deletion.
Identifiers: ClinVar variation 2422957 (VCV002422957.4).